The following is an entry in ClinVar:

ClinVar aggregate classification (germline): Pathogenic. Review status: reviewed by expert panel (3 of 4 stars). 11 submissions from 11 submitters: Pathogenic (1). 10 of the submissions do not count toward it. Last evaluated 2025-09-30.

Conditions:
Distal myopathy with anterior tibial onset. Identifiers: Orphanet 178400, MedGen C1847532, MONDO:0011721, OMIM 606768.
Miyoshi muscular dystrophy 1 (MMD1). Identifiers: Orphanet 45448, MedGen C4551973, MONDO:0024545, OMIM 254130.
Autosomal recessive limb-girdle muscular dystrophy type 2B (LGMDR2). Also called: Limb-girdle muscular dystrophy, type 2B; MUSCULAR DYSTROPHY, LIMB-GIRDLE, TYPE 3; Limb-Girdle Muscular Dystrophy Type 2B (LGMD2B); MUSCULAR DYSTROPHY, LIMB-GIRDLE, AUTOSOMAL RECESSIVE 2. Identifiers: Orphanet 268, MedGen C1850889, MONDO:0009676, OMIM 253601.
Autosomal recessive limb-girdle muscular dystrophy. Identifiers: Orphanet 102015, MedGen C2931907, MONDO:0015152.
Neuromuscular disease caused by qualitative or quantitative defects of dysferlin. Also called: Dysferlinopathy; Qualitative or quantitative defects of dysferlin. Identifiers: Orphanet 207073, MedGen C2931687, MONDO:0016145.

Allele frequency attached by ClinVar (database versions not stated): TOPMed below 0.00001; ExAC 0.00001; gnomAD 0.00001; gnomAD exomes 0.00001 and 0.00002.
gnomAD v4.1: 26 of 1,614,076 alleles (0.0016%); highest among the groups gnomAD compares: Non-Finnish European, 0.002%; no homozygotes.

Submissions (11):

ClinGen Limb Girdle Muscular Dystrophy Variant Curation Expert Panel, ClinGen
Classification: Pathogenic for Autosomal recessive limb-girdle muscular dystrophy. Last evaluated: 2025-09-30. Review status: reviewed by expert panel. Criteria: ClinGen LGMD VCEP ACMG Specifications DYSF V2.0.0. Collection method: curation. Allele origin: germline. Inheritance: Autosomal recessive inheritance.
Comment: The NM_003494.4: c.1834C>T p.(Gln612Ter) variant in DYSF, which is also known as NM_001130987.2: c.1888C>T p.(Gln630Ter), is a nonsense variant predicted to cause a premature stop codon in biologically relevant exon 20/55, leading to nonsense mediated decay in a gene in which loss of function is an established disease mechanism (PVS1). This variant has been identified in at least seven individuals with dysferlinopathy (PMID: 11053681, 18832576, 18853459, 21522182, 25493284, 36983702), including in unconfirmed phase with a pathogenic variant in two patients (NM_003494.4: c.5768-51_5946+50del (exon 52 deletion), 0.5 pts, PMID: 36983702; NM_003494.4: c.4886+1249G>T, 0.5 pts, PMID: 25493284) (PM3). At least one individual with two presumed diagnostic DYSF variants displayed slow progressive muscle weakness and reduced or absent dysferlin protein expression in skeletal muscle, which is highly specific for DYSF-related LGMD (PMID: 18832576, 18853459, 21522182, 25493284, 36983702; PP4_Strong). The upper bound of the 95% confidence interval of the Grpmax variant allele frequency in gnomAD v4.1.0 is 0.000028602 (based on 24/1180048 European (non-Finnish) chromosomes), which is less than the ClinGen LGMD VCEP threshold (≤0.0001) (PM2_Supporting). In summary, this variant meets the criteria to be classified as Pathogenic for autosomal recessive limb-girdle muscular dystrophy based on the ACMG/AMP criteria applied, as specified by the ClinGen LGMD VCEP (LGMD VCEP specifications version 2.0.0; 09/30/2025): PVS1, PM3, PP4_Strong, PM2_Supporting.

Labcorp Genetics (formerly Invitae), Labcorp
Classification: Pathogenic for Neuromuscular disease caused by qualitative or quantitative defects of dysferlin. Last evaluated: 2026-01-31. Review status: criteria provided, single submitter. Criteria: Invitae Variant Classification Sherloc (09022015). Collection method: clinical testing. Allele origin: germline. Not counted in ClinVar's aggregate classification.
Comment: This sequence change creates a premature translational stop signal (p.Gln612*) in the DYSF gene. It is expected to result in an absent or disrupted protein product. Loss-of-function variants in DYSF are known to be pathogenic (PMID: 17698709, 20301480). This variant is present in population databases (rs746873768, gnomAD 0.002%). This premature translational stop signal has been observed in individuals with limb girdle muscular dystrophy (PMID: 11053681, 16010686, 18276788, 18832576, 18853459, 25493284). ClinVar contains an entry for this variant (Variation ID: 217223). For these reasons, this variant has been classified as Pathogenic.

GeneDx
Classification: Pathogenic. Last evaluated: 2025-05-07. Review status: criteria provided, single submitter. Criteria: GeneDx Variant Classification Process June 2021. Collection method: clinical testing. Allele origin: germline. Affected: yes. Not counted in ClinVar's aggregate classification.
Comment: Nonsense variant predicted to result in protein truncation or nonsense mediated decay in a gene for which loss of function is a known mechanism of disease; Not observed at significant frequency in large population cohorts (gnomAD); This variant is associated with the following publications: (PMID: 8853459, 25525159, 18832576, 24488599, 18276788, 21522182, 17698709, 18853459, 16010686, 33927379, 11053681)

Natera, Inc.
Classification: Pathogenic for Limb-girdle muscular dystrophy type 2B. Last evaluated: 2024-10-22. Review status: criteria provided, single submitter. Criteria: Natera Variant Classification Schema (03/2026). Collection method: clinical testing. Allele origin: germline. Not counted in ClinVar's aggregate classification.
Comment: The c.1834C>T variant in DYSF is a nonsense variant predicted to introduce a stop codon at amino acid 612. This variant is expected to result in nonsense mediated decay, truncation, or a dysfunctional protein product. This variant is rare in the general population with a frequency below the threshold expected for the associated phenotype(s). This variant has been observed in one or more individuals affected with the associated recessive disease, as either homozygous or compound heterozygous with a second variant (PMID: 21522182). Given the available evidence, this variant is classified as Pathogenic.

Revvity Omics, Revvity
Classification: Pathogenic. Last evaluated: 2024-06-07. Review status: criteria provided, single submitter. Criteria: ACMG Guidelines, 2015. Collection method: clinical testing. Allele origin: germline. Not counted in ClinVar's aggregate classification.

Baylor Genetics
Classification: Pathogenic for Miyoshi muscular dystrophy 1. Last evaluated: 2024-03-25. Review status: criteria provided, single submitter. Criteria: ACMG Guidelines, 2015. Collection method: clinical testing. Allele origin: unknown. Not counted in ClinVar's aggregate classification.

MGZ Medical Genetics Center
Classification: Pathogenic for Autosomal recessive limb-girdle muscular dystrophy type 2B. Last evaluated: 2022-06-02. Review status: criteria provided, single submitter. Criteria: ACMG Guidelines, 2015. Collection method: clinical testing. Allele origin: germline. Affected: yes. Observed: 1 variant allele. Not counted in ClinVar's aggregate classification.
Comment: ACMG criteria applied: PVS1, PS4, PM3_STR, PM2_SUP

Fulgent Genetics
Classification: Pathogenic for Autosomal recessive limb-girdle muscular dystrophy type 2B; Miyoshi muscular dystrophy 1; Distal myopathy with anterior tibial onset. Last evaluated: 2018-10-31. Review status: criteria provided, single submitter. Criteria: ACMG Guidelines, 2015. Collection method: clinical testing. Allele origin: unknown. Not counted in ClinVar's aggregate classification.

Eurofins Ntd Llc (ga)
Classification: Pathogenic. Last evaluated: 2017-10-24. Review status: criteria provided, single submitter. Criteria: EGL Classification Definitions 2015. Collection method: clinical testing. Allele origin: germline. Observed: 5 variant alleles, 5 heterozygotes. Not counted in ClinVar's aggregate classification.

Athena Diagnostics
Classification: Pathogenic for Limb-girdle muscular dystrophy, type 2B. Last evaluated: 2012-08-16. Review status: criteria provided, single submitter. Criteria: Athena Diagnostics Criteria. Collection method: clinical testing. Allele origin: germline. Inheritance: Autosomal recessive inheritance. Not counted in ClinVar's aggregate classification.

Counsyl
Classification: Pathogenic for Autosomal recessive limb-girdle muscular dystrophy type 2B. Last evaluated: 2018-03-21. Review status: no assertion criteria provided. Collection method: clinical testing. Allele origin: unknown. Not counted in ClinVar's aggregate classification.

Literature cited by the submitters: PubMed 17698709 (cited by Labcorp Genetics (formerly Invitae), Labcorp); PubMed 20301480 (cited by Labcorp Genetics (formerly Invitae), Labcorp); PubMed 11053681 (cited by Labcorp Genetics (formerly Invitae), Labcorp and Counsyl); PubMed 16010686 (cited by Labcorp Genetics (formerly Invitae), Labcorp and Athena Diagnostics); PubMed 18276788 (cited by Labcorp Genetics (formerly Invitae), Labcorp and Athena Diagnostics); PubMed 18832576 (cited by 3 submitters); PubMed 18853459 (cited by 3 submitters); PubMed 25493284 (cited by Labcorp Genetics (formerly Invitae), Labcorp); PubMed 21522182 (cited by Natera, Inc.); PubMed 24488599 (cited by Counsyl).

NM_001130987.2(DYSF):c.1888C>T (p.Gln630Ter)

Gene: DYSF (dysferlin; plus strand). Cytogenetic location: 2p13.2.
Variant type: single nucleotide variant.
Coding change: c.1888C>T on transcript NM_001130987.2 (MANE Select); coding-DNA position 1888, C replaced by T.
Protein change: p.Gln630Ter; replaces glutamine 630 with a stop codon.
Molecular consequence: nonsense.
Genome position (GRCh38, 1-based): chr2:71,553,092, C>T. VCF-style: chr2-71553092-C-T. GRCh37 (hg19) VCF-style: chr2-71780222-C-T.
Other names: NM_001130987.2(DYSF):c.1888C>T; p.Gln630Ter; c.1837C>T, p.Gln613Ter (NM_001130455.2, NM_001130983.2); c.1792C>T, p.Gln598Ter (NM_001130976.2, NM_001130977.2); c.1834C>T, p.Gln612Ter (NM_001130978.2, NM_003494.4); c.1927C>T, p.Gln643Ter (NM_001130979.2); c.1885C>T, p.Gln629Ter (NM_001130980.2, NM_001130981.2); c.1930C>T, p.Gln644Ter (NM_001130982.2); and 2 more; short protein forms Q612*, Q630*, Q598*, Q599*, Q613*, Q629*, Q644*, Q643*.
Identifiers: ClinVar variation 217223 (VCV000217223.27), dbSNP rs746873768, ClinGen allele CA277606.